The following is an entry in ClinVar:

NM_198525.3(KIF7):c.1669G>A (p.Gly557Arg)

Gene: KIF7 (kinesin family member 7; minus strand). Cytogenetic location: 15q26.1.
Variant type: single nucleotide variant.
Coding change: c.1669G>A on transcript NM_198525.3 (MANE Select); coding-DNA position 1669, G replaced by A.
Protein change: p.Gly557Arg; replaces glycine 557 with arginine.
Molecular consequence: missense variant.
Genome position (GRCh38, 1-based): chr15:89,646,949, C>T on the plus strand (G>A on the coding strand, the complement: KIF7 is on the minus strand). VCF-style: chr15-89646949-C-T. GRCh37 (hg19) VCF-style: chr15-90190180-C-T.
Other names: short protein forms G557R.
Identifiers: ClinVar variation 2153574 (VCV002153574.4), dbSNP rs780740523, ClinGen allele CA7728492.

ClinVar aggregate classification (germline): Uncertain significance (1 of 4 stars; one submission).

Conditions:
Acrocallosal syndrome (ACLS). Also called: Schinzel syndrome 1; Absence of corpus callosum with unusual facial appearance, mental deficiency, duplication of the halluces and polydactyly; HALLUX DUPLICATION, POSTAXIAL POLYDACTYLY, AND ABSENCE OF CORPUS CALLOSUM. Identifiers: Orphanet 36, MedGen C0796147, MONDO:0008708, OMIM 200990.

Allele frequency attached by ClinVar (database versions not stated): ExAC 0.00001; gnomAD 0.00001.
gnomAD v4.1: 4 of 1,613,658 alleles (0.00025%); highest among the groups gnomAD compares: South Asian, 0.0022%; no homozygotes.

Submission:

Labcorp Genetics (formerly Invitae), Labcorp
Classification: Uncertain significance for Acrocallosal syndrome. Last evaluated: 2022-07-06. Review status: criteria provided, single submitter. Criteria: Invitae Variant Classification Sherloc (09022015). Collection method: clinical testing. Allele origin: germline.
Comment: In summary, the available evidence is currently insufficient to determine the role of this variant in disease. Therefore, it has been classified as a Variant of Uncertain Significance. Algorithms developed to predict the effect of sequence changes on RNA splicing suggest that this variant may create or strengthen a splice site. Algorithms developed to predict the effect of missense changes on protein structure and function output the following: SIFT: "Tolerated"; PolyPhen-2: "Benign"; Align-GVGD: "Class C0". The arginine amino acid residue is found in multiple mammalian species, which suggests that this missense change does not adversely affect protein function. This variant has not been reported in the literature in individuals affected with KIF7-related conditions. This variant is present in population databases (rs780740523, gnomAD 0.0009%). This sequence change replaces glycine, which is neutral and non-polar, with arginine, which is basic and polar, at codon 557 of the KIF7 protein (p.Gly557Arg).